The following is an entry in ClinVar:

ClinVar aggregate classification (germline): Uncertain significance. Review status: criteria provided, multiple submitters, no conflicts (2 of 4 stars). 2 submissions from 2 submitters: Uncertain significance (2). Last evaluated 2025-08-23.

Conditions:
Accelerated tumor formation, susceptibility to (ACTFS). Identifiers: MedGen C3280690, OMIM 614401, MONDO:0013733.

Allele frequency attached by ClinVar (database versions not stated): gnomAD exomes 0.00002 and 0.00004; gnomAD 0.00003; TOPMed 0.00003; ExAC 0.00005; ESP Exome Variant Server 0.00025.
gnomAD v4.1: 38 of 1,613,868 alleles (0.0024%); highest among the groups gnomAD compares: Non-Finnish European, 0.0032%; no homozygotes.

Submissions (2):

Ambry Genetics
Classification: Uncertain significance. Last evaluated: 2025-08-23. Review status: criteria provided, single submitter. Criteria: Ambry Variant Classification Scheme 2023. Collection method: clinical testing. Allele origin: germline.

Labcorp Genetics (formerly Invitae), Labcorp
Classification: Uncertain significance for Accelerated tumor formation, susceptibility to. Last evaluated: 2024-04-29. Review status: criteria provided, single submitter. Criteria: Invitae Variant Classification Sherloc (09022015). Collection method: clinical testing. Allele origin: germline.
Comment: This sequence change replaces glutamine, which is neutral and polar, with leucine, which is neutral and non-polar, at codon 414 of the MDM2 protein (p.Gln414Leu). This variant is present in population databases (rs201788800, gnomAD 0.01%). This variant has not been reported in the literature in individuals affected with MDM2-related conditions. ClinVar contains an entry for this variant (Variation ID: 946203). An algorithm developed to predict the effect of missense changes on protein structure and function (PolyPhen-2) suggests that this variant is likely to be disruptive. In summary, the available evidence is currently insufficient to determine the role of this variant in disease. Therefore, it has been classified as a Variant of Uncertain Significance.

NM_002392.6(MDM2):c.1241A>T (p.Gln414Leu)

Gene: MDM2 (MDM2 proto-oncogene; plus strand). Cytogenetic location: 12q15.
Variant type: single nucleotide variant.
Coding change: c.1241A>T on transcript NM_002392.6 (MANE Select); coding-DNA position 1241, A replaced by T.
Protein change: p.Gln414Leu; replaces glutamine 414 with leucine.
Molecular consequence: missense variant.
Genome position (GRCh38, 1-based): chr12:68,839,596, A>T. VCF-style: chr12-68839596-A-T. GRCh37 (hg19) VCF-style: chr12-69233376-A-T.
Other names: c.1241A>T (NM_002392.3); c.1082A>T, p.Gln361Leu (NM_001145337.3); c.1076A>T, p.Gln359Leu (NM_001145339.2); c.635A>T, p.Gln212Leu (NM_001145340.3); c.713A>T, p.Gln238Leu (NM_001278462.2); c.1223A>T, p.Gln408Leu (NM_001367990.1); short protein forms Q212L, Q238L, Q408L, Q359L, Q361L, Q414L.
Identifiers: ClinVar variation 946203 (VCV000946203.10), dbSNP rs201788800, ClinGen allele CA6678881.